The following is an entry in ClinVar:

ClinVar aggregate classification (germline): Likely pathogenic (1 of 4 stars; one submission).

Conditions:
Dilated cardiomyopathy 1G (CMD1G). Identifiers: Orphanet 154, MedGen C1858763, MONDO:0011400, OMIM 604145.
Autosomal recessive limb-girdle muscular dystrophy type 2J (LGMDR10). Also called: Limb-girdle muscular dystrophy, type 2J; MUSCULAR DYSTROPHY, LIMB-GIRDLE, AUTOSOMAL RECESSIVE 10. Identifiers: Orphanet 140922, MedGen C1837342, MONDO:0012127, OMIM 608807.

Submission:

Labcorp Genetics (formerly Invitae), Labcorp
Classification: Likely pathogenic for Dilated cardiomyopathy 1G; Autosomal recessive limb-girdle muscular dystrophy type 2J. Last evaluated: 2024-04-08. Review status: criteria provided, single submitter. Criteria: Invitae Variant Classification Sherloc (09022015). Collection method: clinical testing. Allele origin: germline.
Comment: This variant results in the deletion of part of exon 40 (c.9454_9471+102del) of the TTN gene. It is expected to disrupt RNA splicing and likely results in a truncated or disrupted TTN protein. This variant is not present in population databases (gnomAD no frequency). This variant has not been reported in the literature in individuals affected with TTN-related conditions. This variant is located in the I band of TTN (PMID: 25589632). Truncating variants in this region have been reported in individuals affected with autosomal recessive centronuclear myopathy (PMID: 23975875, Invitae internal data). Truncating variants in this region have also been identified in individuals affected with autosomal dominant dilated cardiomyopathy and/or cardio-related conditions (PMID: 27869827, 32964742, Invitae internal data). In summary, the currently available evidence indicates that the variant is pathogenic, but additional data are needed to prove that conclusively. Therefore, this variant has been classified as Likely Pathogenic.

Literature cited by the submitters: PubMed 25589632; PubMed 23975875; PubMed 27869827; PubMed 32964742.

NM_001267550.2(TTN):c.9454_9471+102del

Gene: TTN (titin; minus strand). Cytogenetic location: 2q31.2.
Variant type: Deletion.
Coding change: c.9454_9471+102del on transcript NM_001267550.2 (MANE Select); coding-DNA position 9454 through 102 bases into the intron after coding-DNA position 9471, 120 bases deleted.
Molecular consequence: splice donor variant.
Genome position (GRCh38, 1-based): chr2:178,767,657-178,767,776, 120 bases deleted. GRCh37 (hg19): chr2:179,632,385-179,632,504.
Other names: c.9316_9333+102del (NM_003319.4, NM_133437.4, NM_133432.3); c.9454_9471+102del (NM_133378.4, NM_001256850.1, NM_133379.5).
Identifiers: ClinVar variation 3755758 (VCV003755758.2).